The following is an entry in ClinVar:

ClinVar aggregate classification (germline): Uncertain significance (1 of 4 stars; one submission).

gnomAD v4.1: 1 of 1,612,620 alleles (0.000062%); highest among the groups gnomAD compares: Non-Finnish European, 0.000085%; no homozygotes.

Submission:

Labcorp Genetics (formerly Invitae), Labcorp
Classification: Uncertain significance. Last evaluated: 2022-06-05. Review status: criteria provided, single submitter. Criteria: Invitae Variant Classification Sherloc (09022015). Collection method: clinical testing. Allele origin: germline.
Comment: This sequence change affects codon 209 of the GTPBP3 mRNA. It is a 'silent' change, meaning that it does not change the encoded amino acid sequence of the GTPBP3 protein. This variant is not present in population databases (gnomAD no frequency). This variant has not been reported in the literature in individuals affected with GTPBP3-related conditions. Algorithms developed to predict the effect of sequence changes on RNA splicing suggest that this variant may create or strengthen a splice site. In summary, the available evidence is currently insufficient to determine the role of this variant in disease. Therefore, it has been classified as a Variant of Uncertain Significance.

NM_032620.4(GTPBP3):c.627C>T (p.Gly209=)

Gene: GTPBP3 (GTP binding protein 3, mitochondrial; plus strand). Cytogenetic location: 19p13.11.
Variant type: single nucleotide variant.
Coding change: c.627C>T on transcript NM_032620.4 (MANE Select); coding-DNA position 627, C replaced by T.
Protein change: p.Gly209=; no amino-acid change (glycine 209 retained).
Molecular consequence: synonymous variant.
Genome position (GRCh38, 1-based): chr19:17,338,989, C>T. VCF-style: chr19-17338989-C-T. GRCh37 (hg19) VCF-style: chr19-17449798-C-T.
Other names: c.627C>T, p.Gly209= (NM_001128855.3, NM_133644.4); c.693C>T, p.Gly231= (NM_001195422.1).
Identifiers: ClinVar variation 2067890 (VCV002067890.4), dbSNP rs1568366476, ClinGen allele CA506099323.
Genomic context (GRCh38, chr19:17,338,989, plus strand): 5'-ACCTCTGCTCTCCCTGCCCCGCCAGGCTCTGGCCCACGTGGAGGCCTATATCGATTTCGG[C>T]GAGGATGACAACCTGGAGGAGGGGGTCCTGGAGCAAGGTGGGTCTACCTGGTGGTGGGGG-3'
Protein context (NP_116009.2, residues 199-219): LAHVEAYIDF[Gly209=]EDDNLEEGVL